The following is an entry in ClinVar:

NM_005359.6(SMAD4):c.939dup (p.Ile314fs)

Gene: SMAD4 (SMAD family member 4; plus strand). Cytogenetic location: 18q21.2.
Variant type: Duplication.
Coding change: c.939dup on transcript NM_005359.6 (MANE Select); coding-DNA position 939, one base duplicated (C; older notation c.939dupC).
Protein change: p.Ile314fs; shifts the reading frame from isoleucine 314.
Molecular consequence: frameshift variant.
Genome position (GRCh38, 1-based): chr18:51,059,900, C duplicated; the last of 3 consecutive C bases (chr18:51,059,898-51,059,900); duplicating any one gives the same sequence. VCF-style (leftmost placement, unchanged base first): chr18-51059897-T-TC. GRCh37 (hg19) VCF-style: chr18-48586267-T-TC.
Other names: c.939dupC (NM_005359.5); short protein forms I314fs.
Identifiers: ClinVar variation 576856 (VCV000576856.12), dbSNP rs1568206602, ClinGen allele CA891844455.

ClinVar aggregate classification (germline): Pathogenic. Review status: criteria provided, multiple submitters, no conflicts (2 of 4 stars). 2 submissions from 2 submitters: Pathogenic (2). Last evaluated 2018-06-26.

Conditions:
Familial thoracic aortic aneurysm and aortic dissection (TAAD). Also called: Thoracic aortic aneurysms and dissections. Identifiers: Orphanet 91387, MedGen C4707243, MONDO:0019625.
Hereditary cancer-predisposing syndrome. Also called: Hereditary neoplastic syndrome; Tumor predisposition; Hereditary Cancer Syndrome; Neoplastic Syndromes, Hereditary. Identifiers: Orphanet 140162, MedGen C0027672, MeSH D009386, MONDO:0015356.
Juvenile polyposis syndrome (JPS). Identifiers: Orphanet 2929, MedGen C0345893, MONDO:0017380, OMIM 174900.

Submissions (2):

Labcorp Genetics (formerly Invitae), Labcorp
Classification: Pathogenic for Juvenile polyposis syndrome. Last evaluated: 2018-06-26. Review status: criteria provided, single submitter. Criteria: Invitae Variant Classification Sherloc (09022015). Collection method: clinical testing. Allele origin: germline.
Comment: This sequence change creates a premature translational stop signal (p.Ile314Hisfs*8) in the SMAD4 gene. It is expected to result in an absent or disrupted protein product. For these reasons, this variant has been classified as Pathogenic. Loss-of-function variants in SMAD4 are known to be pathogenic (PMID: 16152648, 16436638, 22810475). This variant has not been reported in the literature in individuals with SMAD4-related disease. This variant is not present in population databases (ExAC no frequency).

Ambry Genetics
Classification: Pathogenic for Hereditary cancer-predisposing syndrome; Familial thoracic aortic aneurysm and aortic dissection. Last evaluated: 2018-01-24. Review status: criteria provided, single submitter. Criteria: Ambry Variant Classification Scheme 2023. Collection method: clinical testing. Allele origin: germline.
Comment: The c.939dupC variant, located in coding exon 7 of the SMAD4 gene, results from a duplication of C at nucleotide position 939, causing a translational frameshift with a predicted alternate stop codon (p.I314Hfs*8). This alteration is expected to result in loss of function by premature protein truncation or nonsense-mediated mRNA decay. As such, this alteration is interpreted as a disease-causing mutation.

Literature cited by the submitters: PubMed 16152648 (cited by Labcorp Genetics (formerly Invitae), Labcorp); PubMed 16436638 (cited by Labcorp Genetics (formerly Invitae), Labcorp); PubMed 22810475 (cited by Labcorp Genetics (formerly Invitae), Labcorp).